The following is an entry in ClinVar:

ClinVar aggregate classification (germline): Likely pathogenic (1 of 4 stars; one submission).

Conditions:
Primary ciliary dyskinesia 23 (CILD23). Also called: CILIARY DYSKINESIA, PRIMARY, 23, WITH OR WITHOUT SITUS INVERSUS. Identifiers: Orphanet 244, MedGen C3809548, MONDO:0014193, OMIM 615451.

Allele frequency attached by ClinVar (database versions not stated): gnomAD 0.00001; TOPMed 0.00001.
gnomAD v4.1: 3 of 1,497,410 alleles (0.0002%); highest among the groups gnomAD compares: East Asian, 0.0027%; no homozygotes.

Submission:

Labcorp Genetics (formerly Invitae), Labcorp
Classification: Likely pathogenic for Primary ciliary dyskinesia 23. Last evaluated: 2022-06-15. Review status: criteria provided, single submitter. Criteria: Invitae Variant Classification Sherloc (09022015). Collection method: clinical testing. Allele origin: germline.
Comment: This sequence change affects a donor splice site in intron 7 of the ARMC4 gene. It is expected to disrupt RNA splicing. Variants that disrupt the donor or acceptor splice site typically lead to a loss of protein function (PMID: 16199547), and loss-of-function variants in ARMC4 are known to be pathogenic (PMID: 23849778). This variant is not present in population databases (gnomAD no frequency). This variant has not been reported in the literature in individuals affected with ARMC4-related conditions. Algorithms developed to predict the effect of sequence changes on RNA splicing suggest that this variant may disrupt the consensus splice site. In summary, the currently available evidence indicates that the variant is pathogenic, but additional data are needed to prove that conclusively. Therefore, this variant has been classified as Likely Pathogenic.

Literature cited by the submitters: PubMed 16199547; PubMed 23849778.

NM_018076.5(ODAD2):c.936+1G>T

Gene: ODAD2 (outer dynein arm docking complex subunit 2; minus strand). Cytogenetic location: 10p12.1.
Variant type: single nucleotide variant.
Coding change: c.936+1G>T on transcript NM_018076.5 (MANE Select); the canonical splice donor site of the intron after coding-DNA position 936, G replaced by T.
Molecular consequence: splice donor variant.
Genome position (GRCh38, 1-based): chr10:27,981,465, C>A on the plus strand (G>T on the coding strand, the complement: ODAD2 is on the minus strand). VCF-style: chr10-27981465-C-A. GRCh37 (hg19) VCF-style: chr10-28270394-C-A.
Other names: c.936+1G>T (NM_001290020.2); c.12+1G>T (NM_001312689.2); c.-188+1G>T (NM_001290021.2).
Identifiers: ClinVar variation 2006816 (VCV002006816.4), dbSNP rs1237311934, ClinGen allele CA376395111.